The following is an entry in ClinVar:

NM_000038.6(APC):c.4501del (p.Ser1501fs)

Gene: APC (APC regulator of Wnt signaling pathway; plus strand). Cytogenetic location: 5q22.2.
Variant type: Deletion.
Coding change: c.4501del on transcript NM_000038.6 (MANE Select); coding-DNA position 4501, one base deleted (T; older notation c.4501delT).
Protein change: p.Ser1501fs; shifts the reading frame from serine 1501.
Molecular consequence: frameshift variant.
Genome position (GRCh38, 1-based): chr5:112,840,095, T deleted; the last of 4 consecutive T bases (chr5:112,840,092-112,840,095); deleting any one gives the same sequence. VCF-style (leftmost placement, unchanged base first): chr5-112840091-AT-A. GRCh37 (hg19) VCF-style: chr5-112175788-AT-A.
Other names: c.4501del, p.Ser1501fs (NM_001127510.3, NM_001354895.2); c.4447del, p.Ser1483fs (NM_001127511.3); c.4555del, p.Ser1519fs (NM_001354896.2); c.4531del, p.Ser1511fs (NM_001354897.2); c.4426del, p.Ser1476fs (NM_001354898.2); c.4417del, p.Ser1473fs (NM_001354899.2); c.4378del, p.Ser1460fs (NM_001354900.2); c.4324del, p.Ser1442fs (NM_001354901.2); and 5 more; short protein forms S1375fs, S1410fs, S1483fs, S1341fs, S1442fs, S1473fs, S1400fs, S1476fs.
Identifiers: ClinVar variation 651124 (VCV000651124.12), dbSNP rs1580648975, ClinGen allele CA446206546.

ClinVar aggregate classification (germline): Pathogenic/Likely pathogenic. Review status: criteria provided, multiple submitters, no conflicts (2 of 4 stars). 4 submissions from 4 submitters: Pathogenic (3); Likely pathogenic (1). Last evaluated 2024-10-08.

Conditions:
Familial adenomatous polyposis 1 (FAP1). Also called: POLYPOSIS, ADENOMATOUS INTESTINAL; FAMILIAL ADENOMATOUS POLYPOSIS 1, ATTENUATED. Identifiers: MedGen C2713442, MONDO:0021056, OMIM 175100. Disease mechanism: loss of function.

Submissions (4):

Revvity Omics, Revvity
Classification: Likely pathogenic. Last evaluated: 2024-10-08. Review status: criteria provided, single submitter. Criteria: ACMG Guidelines, 2015. Collection method: clinical testing. Allele origin: germline.

Myriad Genetics, Inc.
Classification: Pathogenic for Familial adenomatous polyposis 1. Last evaluated: 2023-05-11. Review status: criteria provided, single submitter. Criteria: Myriad Autosomal Dominant, Autosomal Recessive and X-Linked Classification Criteria (2023). Collection method: clinical testing. Allele origin: unknown.
Comment: This variant is considered pathogenic. This variant creates a frameshift predicted to result in premature protein truncation.

Mendelics
Classification: Pathogenic for Familial adenomatous polyposis 1. Last evaluated: 2019-05-28. Review status: criteria provided, single submitter. Criteria: Mendelics Assertion Criteria 2017. Collection method: clinical testing. Allele origin: unknown.

Labcorp Genetics (formerly Invitae), Labcorp
Classification: Pathogenic for Familial adenomatous polyposis 1. Last evaluated: 2018-12-26. Review status: criteria provided, single submitter. Criteria: Invitae Variant Classification Sherloc (09022015). Collection method: clinical testing. Allele origin: germline.
Comment: This variant is expected to disrupt the EB1 and HDLG binding sites, which mediate interactions with the cytoskeleton (PMID: 15311282, 17293347). While functional studies have not been performed to directly test the effect on APC protein function, this suggests that disruption of the C-terminal portion of the protein is functionally important. For these reasons, this variant has been classified as Pathogenic. Other variant(s) that disrupt this region (p.Tyr2645Lysfs*14) have been determined to be pathogenic (PMID: 9824584, 1316610, 27081525, 8381579, 22135120). This suggests that variants that disrupt this region of the protein are likely to be causative of disease. This variant has been observed in an individual who underwent genetic testing for APC (PMID: 23159591). This variant is not present in population databases (ExAC no frequency). This sequence change results in a premature translational stop signal in the APC gene (p.Ser1501Leufs*6). While this is not anticipated to result in nonsense mediated decay, it is expected to disrupt the last 1343 amino acids of the APC protein.

Literature cited by the submitters: PubMed 15311282 (cited by Labcorp Genetics (formerly Invitae), Labcorp); PubMed 17293347 (cited by Labcorp Genetics (formerly Invitae), Labcorp); PubMed 9824584 (cited by Labcorp Genetics (formerly Invitae), Labcorp); PubMed 1316610 (cited by Labcorp Genetics (formerly Invitae), Labcorp); PubMed 27081525 (cited by Labcorp Genetics (formerly Invitae), Labcorp); PubMed 8381579 (cited by Labcorp Genetics (formerly Invitae), Labcorp); PubMed 22135120 (cited by Labcorp Genetics (formerly Invitae), Labcorp); PubMed 23159591 (cited by Labcorp Genetics (formerly Invitae), Labcorp).